The following is an entry in ClinVar:

ClinVar aggregate classification (germline): Benign/Likely benign. Review status: criteria provided, multiple submitters, no conflicts (2 of 4 stars). 11 submissions from 11 submitters: Benign (7); Likely benign (4). Last evaluated 2026-09-01.

Conditions:
Hereditary cancer-predisposing syndrome. Also called: Hereditary neoplastic syndrome; Hereditary Cancer Syndrome; Neoplastic Syndromes, Hereditary; Tumor predisposition. Identifiers: Orphanet 140162, MedGen C0027672, MeSH D009386, MONDO:0015356.
Retinoblastoma (RB1). Also called: RETINOBLASTOMA, SOMATIC. Identifiers: Orphanet 790, MedGen C0035335, MeSH D012175, MONDO:0008380, OMIM 180200, HP:0009919. Disease mechanism: loss of function. Inheritance: Both sporadic and heritable forms are tested..

Allele frequency attached by ClinVar (database versions not stated): ESP Exome Variant Server 0.00023; 1000 Genomes Project 0.00040; gnomAD exomes 0.00046 and 0.00071; 1000 Genomes Project 30x 0.00047; ExAC 0.00058; gnomAD 0.00060 and 0.00062; TOPMed 0.00074.
gnomAD v4.1: 764 of 1,613,220 alleles (0.047%); highest among the groups gnomAD compares: Admixed American, 0.32%; 1 homozygote.

Submissions (11):

CeGaT Center for Human Genetics Tuebingen
Classification: Likely benign. Last evaluated: 2026-09-01. Review status: criteria provided, single submitter. Criteria: CeGaT Center For Human Genetics Tuebingen Variant Classification Criteria Version 2. Collection method: clinical testing. Allele origin: germline. Affected: yes. Observed: 11 variant alleles.
Comment: RB1: BP4, BP7, BS1

Myriad Genetics, Inc.
Classification: Benign for Retinoblastoma. Last evaluated: 2026-04-15. Review status: criteria provided, single submitter. Criteria: Myriad Autosomal Dominant, Autosomal Recessive and X-Linked Classification Criteria (2023). Collection method: clinical testing. Allele origin: unknown.
Comment: This variant is considered benign. This variant is a silent/synonymous amino acid change and it is not expected to impact splicing.

Labcorp Genetics (formerly Invitae), Labcorp
Classification: Benign for Retinoblastoma. Last evaluated: 2026-02-03. Review status: criteria provided, single submitter. Criteria: Invitae Variant Classification Sherloc (09022015). Collection method: clinical testing. Allele origin: germline.

All of Us Research Program, National Institutes of Health
Classification: Benign for Retinoblastoma. Last evaluated: 2024-09-23. Review status: criteria provided, single submitter. Criteria: ACMG Guidelines, 2015. Collection method: clinical testing. Allele origin: germline. Inheritance: Autosomal dominant inheritance. Observed: 225 variant alleles, 225 heterozygotes.
Comment: This study involves interpretation of variants in research participants for the purpose of population health screening. Participant phenotype was not available at the time of variant classification. Additional details can be found in publication PMID: 35346344, PMCID: PMC8962531

Blueprint Genetics
Classification: Likely benign. Last evaluated: 2024-07-23. Review status: criteria provided, single submitter. Criteria: ACMG Guidelines, 2015. Collection method: clinical testing. Allele origin: germline.

Color Diagnostics, LLC DBA Color Health
Classification: Benign for Retinoblastoma. Last evaluated: 2022-04-29. Review status: criteria provided, single submitter. Criteria: ACMG Guidelines, 2015. Collection method: clinical testing. Allele origin: germline.

Sema4
Classification: Benign for Hereditary cancer-predisposing syndrome. Last evaluated: 2021-09-15. Review status: criteria provided, single submitter. Criteria: Sema4 Curation Guidelines. Collection method: curation. Allele origin: germline.

Women's Health and Genetics/Laboratory Corporation of America, LabCorp
Classification: Benign. Last evaluated: 2021-07-31. Review status: criteria provided, single submitter. Criteria: LabCorp Variant Classification Summary - May 2015. Collection method: clinical testing. Allele origin: germline.

Illumina Laboratory Services, Illumina
Classification: Benign for Retinoblastoma. Last evaluated: 2018-01-12. Review status: criteria provided, single submitter. Criteria: ICSL Variant Classification Criteria 13 December 2019. Collection method: clinical testing. Allele origin: germline.
Comment: This variant was observed in the ICSL laboratory as part of a predisposition screen in an ostensibly healthy population. It had not been previously curated by ICSL or reported in the Human Gene Mutation Database (HGMD: prior to June 1st, 2018), and was therefore a candidate for classification through an automated scoring system. Utilizing variant allele frequency, disease prevalence and penetrance estimates, and inheritance mode, an automated score was calculated to assess if this variant is too frequent to cause the disease. Based on the score and internal cut-off values, a variant classified as benign is not then subjected to further curation. The score for this variant resulted in a classification of benign for this disease.

GeneDx
Classification: Likely benign. Last evaluated: 2017-08-08. Review status: criteria provided, single submitter. Criteria: GeneDx Variant Classification (06012015). Collection method: clinical testing. Allele origin: germline. Affected: yes.
Comment: This variant is considered likely benign or benign based on one or more of the following criteria: it is a conservative change, it occurs at a poorly conserved position in the protein, it is predicted to be benign by multiple in silico algorithms, and/or has population frequency not consistent with disease.

Ambry Genetics
Classification: Likely benign for Hereditary cancer-predisposing syndrome. Last evaluated: 2017-03-01. Review status: criteria provided, single submitter. Criteria: Ambry Variant Classification Scheme 2023. Collection method: clinical testing. Allele origin: germline.

Literature cited by the submitters: PubMed 11317369 (cited by Ambry Genetics).

NM_000321.3(RB1):c.1770T>C (p.Cys590=)

Gene: RB1 (RB transcriptional corepressor 1; plus strand). Cytogenetic location: 13q14.2.
Variant type: single nucleotide variant.
Coding change: c.1770T>C on transcript NM_000321.3 (MANE Select); coding-DNA position 1770, T replaced by C.
Protein change: p.Cys590=; no amino-acid change (cysteine 590 retained).
Molecular consequence: synonymous variant.
Genome position (GRCh38, 1-based): chr13:48,453,067, T>C. VCF-style: chr13-48453067-T-C. GRCh37 (hg19) VCF-style: chr13-49027203-T-C.
Identifiers: ClinVar variation 237662 (VCV000237662.60), dbSNP rs145310579, ClinGen allele CA032525.